The following continues an entry in ClinVar:

NM_007294.4(BRCA1):c.1456T>C (p.Phe486Leu)

Gene: BRCA1. ClinVar aggregate classification (germline): Benign. Benign (1).

Submissions 18 to 39 of 39:

PreventionGenetics, part of Exact Sciences
Classification: Likely benign. Last evaluated: 2017-05-16. Review status: criteria provided, single submitter. Criteria: ACMG Guidelines, 2015. Collection method: clinical testing. Allele origin: germline. Not counted in ClinVar's aggregate classification.

Molecular Genetics Laboratory, University of Michigan
Classification: Benign for Breast-ovarian cancer, familial, susceptibility to, 1. Last evaluated: 2016-04-21. Review status: criteria provided, single submitter. Criteria: ACMG Guidelines, 2015. Collection method: clinical testing. Allele origin: germline. Affected: yes. Not counted in ClinVar's aggregate classification.

Fulgent Genetics
Classification: Likely benign for Breast-ovarian cancer, familial, susceptibility to, 1. Last evaluated: 2015-09-01. Review status: criteria provided, single submitter. Criteria: ACMG Guidelines, 2015. Collection method: clinical testing. Allele origin: unknown. Inheritance: Autosomal dominant inheritance. Not counted in ClinVar's aggregate classification.

Eurofins Ntd Llc (ga)
Classification: Likely benign. Last evaluated: 2015-08-04. Review status: criteria provided, single submitter. Criteria: EGL Classification Definitions 2015. Collection method: clinical testing. Allele origin: germline. Observed: 1 variant allele, 1 heterozygote. Not counted in ClinVar's aggregate classification.

Color Diagnostics, LLC DBA Color Health
Classification: Likely benign for Hereditary cancer-predisposing syndrome. Last evaluated: 2014-12-15. Review status: criteria provided, single submitter. Criteria: ACMG Guidelines, 2015. Collection method: clinical testing. Allele origin: germline. Not counted in ClinVar's aggregate classification.

Ambry Genetics
Classification: Benign for Hereditary cancer-predisposing syndrome. Last evaluated: 2014-11-18. Review status: criteria provided, single submitter. Criteria: Ambry Variant Classification Scheme 2023. Collection method: clinical testing. Allele origin: germline. Not counted in ClinVar's aggregate classification.

GeneDx
Classification: Benign. Last evaluated: 2014-01-22. Review status: criteria provided, single submitter. Criteria: GeneDx Variant Classification (06012015). Collection method: clinical testing. Allele origin: germline. Affected: yes. Not counted in ClinVar's aggregate classification.
Comment: This variant is considered likely benign or benign based on one or more of the following criteria: it is a conservative change, it occurs at a poorly conserved position in the protein, it is predicted to be benign by multiple in silico algorithms, and/or has population frequency not consistent with disease.

Breakthrough Genomics
Classification: Benign. Review status: criteria provided, single submitter. Criteria: ACMG Guidelines, 2015. Collection method: not provided. Allele origin: germline. Inheritance: Autosomal recessive inheritance. Affected: yes. Not counted in ClinVar's aggregate classification.

Institute for Biomarker Research, Medical Diagnostic Laboratories, L.L.C.
Classification: Benign for Hereditary breast ovarian cancer syndrome. Last evaluated: 2022-04-07. Review status: no assertion criteria provided. Collection method: clinical testing. Allele origin: germline. Not counted in ClinVar's aggregate classification.

True Health Diagnostics
Classification: Likely benign for Hereditary cancer-predisposing syndrome. Last evaluated: 2018-04-05. Review status: no assertion criteria provided. Collection method: clinical testing. Allele origin: germline. Not counted in ClinVar's aggregate classification.

Mayo Clinic Laboratories, Mayo Clinic
Classification: Likely benign. Last evaluated: 2017-08-02. Review status: no assertion criteria provided. Collection method: clinical testing. Allele origin: unknown. Not counted in ClinVar's aggregate classification.

Counsyl
Classification: Likely benign for Breast-ovarian cancer, familial 1. Last evaluated: 2014-03-31. Review status: no assertion criteria provided. Collection method: literature only. Allele origin: unknown. Inheritance: Autosomal dominant inheritance. Not counted in ClinVar's aggregate classification.

ITMI
No classification provided. Condition: AllHighlyPenetrant. Last evaluated: 2013-09-19. Review status: no classification provided. Collection method: reference population. Allele origin: germline. Not counted in ClinVar's aggregate classification.
Comment: Please see associated publication for description of ethnicities

Sharing Clinical Reports Project (SCRP)
Classification: Benign for Breast-ovarian cancer, familial 1. Last evaluated: 2011-02-25. Review status: no assertion criteria provided. Collection method: clinical testing. Allele origin: germline. Not counted in ClinVar's aggregate classification.

Breast Cancer Information Core (BIC) (BRCA1)
Classification: Uncertain significance for Breast-ovarian cancer, familial 1. Last evaluated: 2002-05-29. Review status: no assertion criteria provided. Collection method: clinical testing. Allele origin: germline. Affected: yes. Observed: 55 variant alleles. Not counted in ClinVar's aggregate classification.

Clinical Genetics DNA and cytogenetics Diagnostics Lab, Erasmus MC, Erasmus Medical Center
Classification: Benign. Review status: no assertion criteria provided. Collection method: clinical testing. Allele origin: germline. Affected: yes. Study: VKGL Data-share Consensus. Not counted in ClinVar's aggregate classification.

Clinical Genetics Laboratory, Department of Pathology, Netherlands Cancer Institute
Classification: Benign. Review status: no assertion criteria provided. Collection method: clinical testing. Allele origin: germline. Affected: yes. Study: VKGL Data-share Consensus. Not counted in ClinVar's aggregate classification.

Department of Pathology and Laboratory Medicine, Sinai Health System
Classification: Benign. Review status: no assertion criteria provided. Collection method: clinical testing. Allele origin: unknown. Affected: yes. Observed: 1 variant allele. Study: The Canadian Open Genetics Repository (COGR). Not counted in ClinVar's aggregate classification.

Diagnostic Laboratory, Department of Genetics, University Medical Center Groningen
Classification: Benign for Breast-ovarian cancer, familial, susceptibility to, 1. Review status: no assertion criteria provided. Collection method: clinical testing. Allele origin: germline. Affected: yes. Study: VKGL Data-share Consensus. Not counted in ClinVar's aggregate classification.

Joint Genome Diagnostic Labs from Nijmegen and Maastricht, Radboudumc and MUMC+
Classification: Benign. Review status: no assertion criteria provided. Collection method: clinical testing. Allele origin: germline. Affected: yes. Study: VKGL Data-share Consensus. Not counted in ClinVar's aggregate classification.

Laboratory of Diagnostic Genome Analysis, Leiden University Medical Center (LUMC)
Classification: Benign. Review status: no assertion criteria provided. Collection method: clinical testing. Allele origin: germline. Affected: yes. Study: VKGL Data-share Consensus. Not counted in ClinVar's aggregate classification.

Genomic Diagnostic Laboratory, Division of Genomic Diagnostics, Children's Hospital of Philadelphia
Classification: Uncertain significance for Hereditary Breast and Ovarian Cancer. Last evaluated: 2015-09-02. Review status: flagged submission. Criteria: DGD Variant Analysis Guidelines. Collection method: clinical testing. Allele origin: unknown. Not counted in ClinVar's aggregate classification.
ClinVar note: Reason: Conflicts with expert reviewed submission without evidence to support different classification

Literature cited by the submitters: PubMed 21990134 (cited by 3 submitters); PubMed 16267036 (cited by 3 submitters); PubMed 18415037 (cited by Quest Diagnostics Nichols Institute San Juan Capistrano and Counsyl); PubMed 18680205 (cited by 4 submitters); PubMed 17279547 (cited by Quest Diagnostics Nichols Institute San Juan Capistrano and Counsyl); PubMed 16760288 (cited by 3 submitters); PubMed 18375895 (cited by 4 submitters); PubMed 16014699 (cited by 3 submitters); PubMed 12955716 (cited by 3 submitters); PubMed 22713736 (cited by Quest Diagnostics Nichols Institute San Juan Capistrano and Women's Health and Genetics/Laboratory Corporation of America, LabCorp); PubMed 18176857 (cited by Quest Diagnostics Nichols Institute San Juan Capistrano); PubMed 28398198 (cited by Quest Diagnostics Nichols Institute San Juan Capistrano and Women's Health and Genetics/Laboratory Corporation of America, LabCorp); PubMed 33471991 (cited by Quest Diagnostics Nichols Institute San Juan Capistrano); PubMed 32599251 (cited by Quest Diagnostics Nichols Institute San Juan Capistrano); PubMed 26183948 (cited by Quest Diagnostics Nichols Institute San Juan Capistrano); PubMed 25814778 (cited by Quest Diagnostics Nichols Institute San Juan Capistrano); PubMed 21603858 (cited by Quest Diagnostics Nichols Institute San Juan Capistrano and Women's Health and Genetics/Laboratory Corporation of America, LabCorp); PubMed 24728327 (cited by Quest Diagnostics Nichols Institute San Juan Capistrano and ITMI); PubMed 20960228 (cited by Quest Diagnostics Nichols Institute San Juan Capistrano); PubMed 27844240 (cited by Quest Diagnostics Nichols Institute San Juan Capistrano); PubMed 25556971 (cited by Quest Diagnostics Nichols Institute San Juan Capistrano); PubMed 25948282 (cited by Quest Diagnostics Nichols Institute San Juan Capistrano); PubMed 26306726 (cited by Quest Diagnostics Nichols Institute San Juan Capistrano); PubMed 15235020 (cited by Illumina Laboratory Services, Illumina and Counsyl); PubMed 20737206 (cited by Women's Health and Genetics/Laboratory Corporation of America, LabCorp); PubMed 21702907 (cited by Women's Health and Genetics/Laboratory Corporation of America, LabCorp); PubMed 25682074 (cited by Women's Health and Genetics/Laboratory Corporation of America, LabCorp); PubMed 12491499 (cited by Women's Health and Genetics/Laboratory Corporation of America, LabCorp); PubMed 15829246 (cited by Counsyl).